The following is an entry in ClinVar:

ClinVar aggregate classification (germline): Pathogenic/Likely pathogenic. Review status: criteria provided, multiple submitters, no conflicts (2 of 4 stars). 2 submissions from 2 submitters: Pathogenic (1); Likely pathogenic (1). Last evaluated 2024-02-05.

Conditions:
Intellectual disability, autosomal recessive 53 (NEDHSCA). Also called: GLYCOSYLPHOSPHATIDYLINOSITOL BIOSYNTHESIS DEFECT 13; Mental retardation, autosomal recessive 53; NEURODEVELOPMENTAL DISORDER WITH OR WITHOUT HYPOTONIA, SEIZURES, AND CEREBELLAR ATROPHY. Identifiers: Orphanet 488635, MedGen C4310794, MONDO:0014832, OMIM 616917.

Submissions (2):

Labcorp Genetics (formerly Invitae), Labcorp
Classification: Pathogenic for Intellectual disability, autosomal recessive 53. Last evaluated: 2024-02-05. Review status: criteria provided, single submitter. Criteria: Invitae Variant Classification Sherloc (09022015). Collection method: clinical testing. Allele origin: germline.
Comment: This sequence change creates a premature translational stop signal (p.Gln429Profs*34) in the PIGG gene. It is expected to result in an absent or disrupted protein product. Loss-of-function variants in PIGG are known to be pathogenic (PMID: 26996948, 28581210, 28771251). This variant is present in population databases (rs777479274, gnomAD 0.003%). This variant has not been reported in the literature in individuals affected with PIGG-related conditions. For these reasons, this variant has been classified as Pathogenic.

GeneDx
Classification: Likely pathogenic. Last evaluated: 2024-01-24. Review status: criteria provided, single submitter. Criteria: GeneDx Variant Classification Process June 2021. Collection method: clinical testing. Allele origin: germline. Affected: yes.
Comment: Frameshift variant predicted to result in protein truncation or nonsense mediated decay in a gene for which loss-of-function is a known mechanism of disease; Not observed at significant frequency in large population cohorts (gnomAD); Has not been previously published as pathogenic or benign to our knowledge

Literature cited by the submitters: PubMed 26996948 (cited by Labcorp Genetics (formerly Invitae), Labcorp); PubMed 28581210 (cited by Labcorp Genetics (formerly Invitae), Labcorp); PubMed 28771251 (cited by Labcorp Genetics (formerly Invitae), Labcorp).

NM_001127178.3(PIGG):c.1285dup (p.Gln429fs)

Gene: PIGG (phosphatidylinositol glycan anchor biosynthesis class G (EMM blood group); plus strand). Cytogenetic location: 4p16.3.
Variant type: Duplication.
Coding change: c.1285dup on transcript NM_001127178.3 (MANE Select); coding-DNA position 1285, one base duplicated (C; older notation c.1285dupC).
Protein change: p.Gln429fs; shifts the reading frame from glutamine 429.
Molecular consequence: frameshift variant. On other transcripts: 5 prime UTR variant (2), non-coding transcript variant (10), intron variant (1).
Genome position (GRCh38, 1-based): chr4:521,226, C duplicated; the last of 3 consecutive C bases (chr4:521,224-521,226); duplicating any one gives the same sequence. VCF-style (leftmost placement, unchanged base first): chr4-521223-G-GC. GRCh37 (hg19) VCF-style: chr4-515012-G-GC.
Other names: c.1018dup, p.Gln340fs (NM_001289051.2, NM_001289053.2, NM_001345986.2 and 1 more transcripts); c.886dup, p.Gln296fs (NM_001289052.2); c.919dup, p.Gln307fs (NM_001289055.2); c.256dup, p.Gln86fs (NM_001345988.2); c.1285dup, p.Gln429fs (NM_001345989.2, NM_017733.5); c.-203dup (NM_001345990.2, NM_001345991.2); c.211dup, p.Gln71fs (NM_001345994.2); c.848-434dup (NM_001289057.2); and 1 more; short protein forms Q296fs, Q86fs, Q429fs, Q307fs, Q340fs, Q71fs.
Identifiers: ClinVar variation 2970142 (VCV002970142.4), dbSNP rs777479274, ClinGen allele CA2793263.